The following is an entry in ClinVar:

NM_000166.6(GJB1):c.224G>A (p.Arg75Gln)

Gene: GJB1 (gap junction protein beta 1; plus strand). Cytogenetic location: Xq13.1.
Variant type: single nucleotide variant.
Coding change: c.224G>A on transcript NM_000166.6 (MANE Select); coding-DNA position 224, G replaced by A.
Protein change: p.Arg75Gln; replaces arginine 75 with glutamine.
Molecular consequence: missense variant.
Genome position (GRCh38, 1-based): chrX:71,223,931, G>A. VCF-style: chrX-71223931-G-A. GRCh37 (hg19) VCF-style: chrX-70443781-G-A.
Other names: c.224G>A, p.Arg75Gln (NM_001097642.3); short protein forms R75Q.
Identifiers: ClinVar variation 217167 (VCV000217167.38), dbSNP rs863224972, ClinGen allele CA279107.

ClinVar aggregate classification (germline): Pathogenic. Review status: criteria provided, multiple submitters, no conflicts (2 of 4 stars). 10 submissions from 10 submitters: Pathogenic (9). 1 of the submissions does not count toward it. Last evaluated 2026-08-06.

Conditions:
Hereditary neuropathy or pain disorder.
GJB1-related disorder. Also called: GJB1-related condition; GJB1-related disorders.
Charcot-Marie-Tooth disease. Also called: Charcot-Marie-Tooth Hereditary Neuropathy; Charcot-Marie-Tooth Neuropathy. Identifiers: Orphanet 166, MedGen C0007959, MONDO:0015626.
Charcot-Marie-Tooth Neuropathy X. Identifiers: MedGen CN118851.
Charcot-Marie-Tooth disease X-linked dominant 1. Also called: X-linked Charcot-Marie-Tooth disease type 1; GJB1 Disorders: Charcot-Marie-Tooth Neuropathy (CMT1X) and Central Nervous System Phenotypes; CHARCOT-MARIE-TOOTH NEUROPATHY, X-LINKED, 1; CHARCOT-MARIE-TOOTH PERONEAL MUSCULAR ATROPHY, X-LINKED; HEREDITARY MOTOR AND SENSORY NEUROPATHY, X-LINKED; HMSN, X-LINKED. Identifiers: Orphanet 101075, MedGen C0393808, MONDO:0010549, OMIM 302800.

Submissions (10):

NHS Central & South Genomic Laboratory Hub
Classification: Pathogenic for Hereditary neuropathy or pain disorder. Last evaluated: 2026-08-06. Review status: criteria provided, single submitter. Criteria: ACMG Guidelines, 2015. Collection method: clinical testing. Allele origin: germline. Affected: yes.

Women's Health and Genetics/Laboratory Corporation of America, LabCorp
Classification: Pathogenic for Charcot-Marie-Tooth disease X-linked dominant 1. Last evaluated: 2025-12-01. Review status: criteria provided, single submitter. Criteria: LabCorp Variant Classification Summary - May 2015. Collection method: clinical testing. Allele origin: germline.
Comment: Variant summary: GJB1 c.224G>A (p.Arg75Gln) results in a conservative amino acid change in the encoded protein sequence. Algorithms developed to predict the effect of missense changes on protein structure and function are either unavailable or do not agree on the potential impact of this missense change. The variant was absent in 188849 control chromosomes. c.224G>A has been observed in multiple individuals affected with Charcot-Marie-Tooth disease X-linked dominant 1 (example, Silander_1997). These data indicate that the variant is likely to be associated with disease. At least one publication reports experimental evidence evaluating an impact on protein function. The most pronounced variant effect results in almost diminished of normal coupling expression in Neuro2a cells (Abrams_2013). The following publications have been ascertained in the context of this evaluation (PMID: 23209285, 9272161). ClinVar contains an entry for this variant (Variation ID: 217167). Based on the evidence outlined above, the variant was classified as pathogenic.

Labcorp Genetics (formerly Invitae), Labcorp
Classification: Pathogenic for Charcot-Marie-Tooth Neuropathy X. Last evaluated: 2025-04-23. Review status: criteria provided, single submitter. Criteria: Invitae Variant Classification Sherloc (09022015). Collection method: clinical testing. Allele origin: germline.
Comment: This sequence change replaces arginine, which is basic and polar, with glutamine, which is neutral and polar, at codon 75 of the GJB1 protein (p.Arg75Gln). This variant is not present in population databases (gnomAD no frequency). This missense change has been observed in individuals with X-linked Charcot-Marie-Tooth disease (CMTX) (PMID: 8829637, 9272161, 10093067, 12402337). It has also been observed to segregate with disease in related individuals. ClinVar contains an entry for this variant (Variation ID: 217167). Invitae Evidence Modeling of protein sequence and biophysical properties (such as structural, functional, and spatial information, amino acid conservation, physicochemical variation, residue mobility, and thermodynamic stability) indicates that this missense variant is expected to disrupt GJB1 protein function with a positive predictive value of 95%. Experimental studies have shown that this missense change affects GJB1 function (PMID: 12460545, 19369543, 23209285). This variant disrupts the p.Arg75 amino acid residue in GJB1. Other variant(s) that disrupt this residue have been determined to be pathogenic (PMID: 12460545, 19369543, 23209285). This suggests that this residue is clinically significant, and that variants that disrupt this residue are likely to be disease-causing. For these reasons, this variant has been classified as Pathogenic.

Athena Diagnostics
Classification: Pathogenic. Last evaluated: 2025-01-31. Review status: criteria provided, single submitter. Criteria: Athena Diagnostics Criteria. Collection method: clinical testing. Allele origin: unknown.
Comment: This variant has not been reported in large, multi-ethnic general populations. This variant has been identified in multiple unrelated individuals with clinical features associated with this gene and appears to segregate with disease in at least one family. Multiple missense variants at this codon have been reported in individuals with clinical features associated with this gene. At least one of those variants is considered to be pathogenic or likely pathogenic, suggesting this variant also causes disease. Computational tools yielded predictions that this variant may result in the gain of a cryptic splice site without affecting the natural splice sites. Polyphen and MutationTaster predict this amino acid change may be damaging to the protein.

Blueprint Genetics
Classification: Pathogenic for GJB1-related disorders. Last evaluated: 2024-09-05. Review status: criteria provided, single submitter. Criteria: ACMG Guidelines, 2015. Collection method: clinical testing. Allele origin: germline. Affected: yes. Observed: 5 variant alleles.

CeGaT Center for Human Genetics Tuebingen
Classification: Pathogenic. Last evaluated: 2024-05-01. Review status: criteria provided, single submitter. Criteria: CeGaT Center For Human Genetics Tuebingen Variant Classification Criteria Version 2. Collection method: clinical testing. Allele origin: germline. Affected: yes. Observed: 1 variant allele.
Comment: GJB1: PM1, PM2, PM5, PS4:Moderate, PP1, PS3:Supporting

GeneDx
Classification: Pathogenic. Last evaluated: 2023-08-20. Review status: criteria provided, single submitter. Criteria: GeneDx Variant Classification Process June 2021. Collection method: clinical testing. Allele origin: germline. Affected: yes.
Comment: Reported previously in association with CMTX1 (Tan et al. 1996; Silander et al., 1997); Published functional studies demonstrate that R75Q impairs channel function (Abrams et al., 2013; Yum et al., 2002); Missense variants in this gene are often considered pathogenic (HGMD); Not observed at significant frequency in large population cohorts (gnomAD); In silico analysis supports that this missense variant has a deleterious effect on protein structure/function; This variant is associated with the following publications: (PMID: 23209285, 15006706, 12460545, 8829637, 9272161, 12402337, 14663027, 29111421, 30896807)

Neuberg Centre For Genomic Medicine, NCGM
Classification: Pathogenic for Charcot-Marie-Tooth disease X-linked dominant 1. Last evaluated: 2023-05-20. Review status: criteria provided, single submitter. Criteria: ACMG Guidelines, 2015. Collection method: clinical testing. Allele origin: germline. Inheritance: X-linked dominant inheritance. Affected: yes.
Comment: The missense c.224G>A (p.Arg75Gln) variant in the GJB1 gene has been observed in individuals with X-linked Charcot-Marie-Tooth disease (Numakura, Chikahiko et al., 2002). It has also been observed to segregate with disease in related individuals. Experimental studies have shown that this missense change affects GJB1 function (Abrams, Charles K et al., 2013). The variant is novel (not in any individuals) in gnomAD Exomes. It is submitted to ClinVar as Pathogenic. The amino acid Arginine at position 75 is changed to a Glutamine changing protein sequence and it might alter its composition and physico-chemical properties. Multiple lines of computational evidence (Polyphen - Damaging, SIFT – Damaging and MutationTaster - Disease causing) predict a damaging effect on protein structure and function for this variantThe amino acid change p.Arg75Gln in GJB1 is predicted as conserved by GERP++ and PhyloP across 100 vertebrates. For these reasons, this variant has been classified as Pathogenic.

Juno Genomics, Hangzhou Juno Genomics, Inc
Classification: Pathogenic for Charcot-Marie-Tooth disease X-linked dominant 1. Review status: criteria provided, single submitter. Criteria: ACMG Guidelines, 2015. Collection method: clinical testing. Allele origin: germline. Affected: yes.
Comment: Absent from controls (or at extremely low frequency if recessive) in Genome Aggregation Database, Exome Sequencing Project, 1000 Genomes Project, or Exome Aggregation Consortium.;Multiple lines of computational evidence support a deleterious effect on the gene or gene product (conservation, evolutionary, splicing impact, etc).;Patient's phenotype or family history is highly specific for a disease with a single genetic etiology.;The prevalence of the variant in affected individuals is significantly increased compared to the prevalence in controls.;Co-segregation with disease in multiple affected family members in a gene definitively known to cause the disease.;Novel missense change at an amino acid residue where a different missense change determined to be pathogenic has been seen before.;Well-established in vitro or in vivo functional studies supportive of a damaging effect on the gene or gene product.

Natera, Inc.
Classification: Pathogenic for Charcot-Marie-Tooth disease. Last evaluated: 2020-09-16. Review status: no assertion criteria provided. Collection method: clinical testing. Allele origin: germline. Not counted in ClinVar's aggregate classification.

Literature cited by the submitters: PubMed 9272161 (cited by 3 submitters); PubMed 23209285 (cited by 3 submitters); PubMed 8829637 (cited by Labcorp Genetics (formerly Invitae), Labcorp and Athena Diagnostics); PubMed 10093067 (cited by Labcorp Genetics (formerly Invitae), Labcorp and Athena Diagnostics); PubMed 12402337 (cited by Labcorp Genetics (formerly Invitae), Labcorp and Athena Diagnostics); PubMed 12460545 (cited by Labcorp Genetics (formerly Invitae), Labcorp and Athena Diagnostics); PubMed 19369543 (cited by Labcorp Genetics (formerly Invitae), Labcorp); PubMed 37284795 (cited by Athena Diagnostics); PubMed 38179633 (cited by Athena Diagnostics); PubMed 15006706 (cited by Athena Diagnostics).